The following is an entry in ClinVar:

NM_152594.3(SPRED1):c.431A>G (p.Glu144Gly)

Gene: SPRED1 (sprouty related EVH1 domain containing 1; plus strand). Cytogenetic location: 15q14.
Variant type: single nucleotide variant.
Coding change: c.431A>G on transcript NM_152594.3 (MANE Select); coding-DNA position 431, A replaced by G.
Protein change: p.Glu144Gly; replaces glutamic acid 144 with glycine.
Molecular consequence: missense variant.
Genome position (GRCh38, 1-based): chr15:38,339,744, A>G. VCF-style: chr15-38339744-A-G. GRCh37 (hg19) VCF-style: chr15-38631945-A-G.
Other names: short protein forms E144G.
Identifiers: ClinVar variation 1053137 (VCV001053137.9), dbSNP rs1895992409, ClinGen allele CA391932417.
Genomic context (GRCh38, chr15:38,339,744, plus strand): 5'-GTGGTGGTGGTTTTTATTCTGGCAACTAATGCATTGAGGGTTGTTCCCAATAGGCAAATG[A>G]AGAGGATTCTTCCAGTTCTCTAGTGAAGGATCACCTTTTTCAGCAAGAGACAGTTGTTAC-3'
Protein context (NP_689807.1, residues 134-154): AEGADDLQAN[Glu144Gly]EDSSSSLVKD

ClinVar aggregate classification (germline): Uncertain significance (1 of 4 stars; one submission).

Conditions:
Legius syndrome. Identifiers: Orphanet 137605, MedGen C1969623, MONDO:0012669, OMIM 611431. Disease mechanism: loss of function.

Allele frequency attached by ClinVar (database versions not stated): gnomAD exomes below 0.00001.
gnomAD v4.1: 2 of 1,613,792 alleles (0.00012%); highest among the groups gnomAD compares: African/African-American, 0.0027%; no homozygotes.

Submission:

Labcorp Genetics (formerly Invitae), Labcorp
Classification: Uncertain significance for Legius syndrome. Last evaluated: 2025-01-08. Review status: criteria provided, single submitter. Criteria: Invitae Variant Classification Sherloc (09022015). Collection method: clinical testing. Allele origin: germline.
Comment: This sequence change replaces glutamic acid, which is acidic and polar, with glycine, which is neutral and non-polar, at codon 144 of the SPRED1 protein (p.Glu144Gly). This variant is not present in population databases (gnomAD no frequency). This variant has not been reported in the literature in individuals affected with SPRED1-related conditions. ClinVar contains an entry for this variant (Variation ID: 1053137). Invitae Evidence Modeling of protein sequence and biophysical properties (such as structural, functional, and spatial information, amino acid conservation, physicochemical variation, residue mobility, and thermodynamic stability) indicates that this missense variant is not expected to disrupt SPRED1 protein function with a negative predictive value of 80%. In summary, the available evidence is currently insufficient to determine the role of this variant in disease. Therefore, it has been classified as a Variant of Uncertain Significance.